The following is an entry in ClinVar:

NM_002474.3(MYH11):c.2805A>C (p.Glu935Asp)

Gene: MYH11 (myosin heavy chain 11; minus strand). Cytogenetic location: 16p13.11.
Variant type: single nucleotide variant.
Coding change: c.2805A>C on transcript NM_002474.3 (MANE Select); coding-DNA position 2805, A replaced by C.
Protein change: p.Glu935Asp; replaces glutamic acid 935 with aspartic acid.
Molecular consequence: missense variant.
Genome position (GRCh38, 1-based): chr16:15,741,517, T>G on the plus strand (A>C on the coding strand, the complement: MYH11 is on the minus strand). VCF-style: chr16-15741517-T-G. GRCh37 (hg19) VCF-style: chr16-15835374-T-G.
Other names: c.2826A>C, p.Glu942Asp (NM_001040113.2, NM_001040114.2); c.2805A>C, p.Glu935Asp (NM_022844.3); short protein forms E935D, E942D.
Identifiers: ClinVar variation 3069603 (VCV003069603.1), dbSNP rs2506205060, ClinGen allele CA394865022.

ClinVar aggregate classification (germline): Uncertain significance (1 of 4 stars; one submission).

Conditions:
Familial thoracic aortic aneurysm and aortic dissection (TAAD). Also called: Thoracic aortic aneurysms and dissections. Identifiers: Orphanet 91387, MedGen C4707243, MONDO:0019625.

Submission:

All of Us Research Program, National Institutes of Health
Classification: Uncertain significance for Familial thoracic aortic aneurysm and aortic dissection. Last evaluated: 2023-03-04. Review status: criteria provided, single submitter. Criteria: ACMG Guidelines, 2015. Collection method: clinical testing. Allele origin: germline. Inheritance: Autosomal dominant inheritance. Observed: 1 variant allele, 1 heterozygote.
Comment: This study involves interpretation of variants in research participants for the purpose of population health screening. Participant phenotype was not available at the time of variant classification. Additional details can be found in publication PMID: 35346344, PMCID: PMC8962531